The following is an entry in ClinVar:

NM_005120.3(MED12):c.3185G>A (p.Cys1062Tyr)

Gene: MED12 (mediator complex subunit 12; plus strand). Cytogenetic location: Xq13.1.
Variant type: single nucleotide variant.
Coding change: c.3185G>A on transcript NM_005120.3 (MANE Select); coding-DNA position 3185, G replaced by A.
Protein change: p.Cys1062Tyr; replaces cysteine 1062 with tyrosine.
Molecular consequence: missense variant.
Genome position (GRCh38, 1-based): chrX:71,128,096, G>A. VCF-style: chrX-71128096-G-A. GRCh37 (hg19) VCF-style: chrX-70347946-G-A.
Other names: short protein forms C1062Y.
Identifiers: ClinVar variation 4527221 (VCV004527221.1).

ClinVar aggregate classification (germline): Uncertain significance (1 of 4 stars; one submission).

Submission:

GeneDx
Classification: Uncertain significance. Last evaluated: 2025-04-23. Review status: criteria provided, single submitter. Criteria: GeneDx Variant Classification Process June 2021. Collection method: clinical testing. Allele origin: germline. Affected: yes.
Comment: Not observed at significant frequency in large population cohorts (gnomAD); In silico analysis supports that this missense variant has a deleterious effect on protein structure/function; Has not been previously published as pathogenic or benign to our knowledge